The following is an entry in ClinVar:

ClinVar aggregate classification (germline): Uncertain significance. Review status: criteria provided, multiple submitters, no conflicts (2 of 4 stars). 2 submissions from 2 submitters: Uncertain significance (2). Last evaluated 2025-06-18.

Allele frequency attached by ClinVar (database versions not stated): gnomAD 0.00001; ExAC 0.00002.
gnomAD v4.1: 9 of 1,607,330 alleles (0.00056%); highest among the groups gnomAD compares: Middle Eastern, 0.017%; no homozygotes.

Submissions (2):

Ambry Genetics
Classification: Uncertain significance. Last evaluated: 2025-06-18. Review status: criteria provided, single submitter. Criteria: Ambry Variant Classification Scheme 2023. Collection method: clinical testing. Allele origin: germline.

Labcorp Genetics (formerly Invitae), Labcorp
Classification: Uncertain significance. Last evaluated: 2025-04-07. Review status: criteria provided, single submitter. Criteria: Invitae Variant Classification Sherloc (09022015). Collection method: clinical testing. Allele origin: germline.
Comment: This sequence change replaces threonine, which is neutral and polar, with alanine, which is neutral and non-polar, at codon 48 of the SLC25A21 protein (p.Thr48Ala). This variant is present in population databases (rs372749928, gnomAD 0.03%). This variant has not been reported in the literature in individuals affected with SLC25A21-related conditions. ClinVar contains an entry for this variant (Variation ID: 1432809). An algorithm developed to predict the effect of missense changes on protein structure and function outputs the following: PolyPhen-2: "Benign". The alanine amino acid residue is found in multiple mammalian species, which suggests that this missense change does not adversely affect protein function. In summary, the available evidence is currently insufficient to determine the role of this variant in disease. Therefore, it has been classified as a Variant of Uncertain Significance.

NM_030631.4(SLC25A21):c.142A>G (p.Thr48Ala)

Gene: SLC25A21 (solute carrier family 25 member 21; minus strand). Cytogenetic location: 14q13.3.
Variant type: single nucleotide variant.
Coding change: c.142A>G on transcript NM_030631.4 (MANE Select); coding-DNA position 142, A replaced by G.
Protein change: p.Thr48Ala; replaces threonine 48 with alanine.
Molecular consequence: missense variant.
Genome position (GRCh38, 1-based): chr14:36,813,979, T>C on the plus strand (A>G on the coding strand, the complement: SLC25A21 is on the minus strand). VCF-style: chr14-36813979-T-C. GRCh37 (hg19) VCF-style: chr14-37283184-T-C.
Other names: c.142A>G, p.Thr48Ala (NM_001171170.2); c.142A>G (NM_030631.3); short protein forms T48A.
Identifiers: ClinVar variation 1432809 (VCV001432809.9), dbSNP rs372749928, ClinGen allele CA7159429.